The following is an entry in ClinVar:

ClinVar aggregate classification (germline): Uncertain significance (1 of 4 stars; one submission).

Allele frequency attached by ClinVar (database versions not stated): ExAC 0.00001; gnomAD exomes 0.00001 and 0.00002; TOPMed 0.00003; gnomAD 0.00004.
gnomAD v4.1: 11 of 1,209,276 alleles (0.00091%); highest among the groups gnomAD compares: African/African-American, 0.0053%; no homozygotes.

Submission:

Labcorp Genetics (formerly Invitae), Labcorp
Classification: Uncertain significance. Last evaluated: 2022-08-17. Review status: criteria provided, single submitter. Criteria: Invitae Variant Classification Sherloc (09022015). Collection method: clinical testing. Allele origin: germline.
Comment: This sequence change replaces threonine, which is neutral and polar, with methionine, which is neutral and non-polar, at codon 476 of the FRMD7 protein (p.Thr476Met). This variant is present in population databases (rs761002093, gnomAD 0.008%), including at least one homozygous and/or hemizygous individual. This variant has not been reported in the literature in individuals affected with FRMD7-related conditions. ClinVar contains an entry for this variant (Variation ID: 1406535). Algorithms developed to predict the effect of missense changes on protein structure and function output the following: SIFT: "Tolerated"; PolyPhen-2: "Benign"; Align-GVGD: "Class C0". The methionine amino acid residue is found in multiple mammalian species, which suggests that this missense change does not adversely affect protein function. In summary, the available evidence is currently insufficient to determine the role of this variant in disease. Therefore, it has been classified as a Variant of Uncertain Significance.

NM_194277.3(FRMD7):c.1427C>T (p.Thr476Met)

Gene: FRMD7 (FERM domain containing 7; minus strand). Cytogenetic location: Xq26.2.
Variant type: single nucleotide variant.
Coding change: c.1427C>T on transcript NM_194277.3 (MANE Select); coding-DNA position 1427, C replaced by T.
Protein change: p.Thr476Met; replaces threonine 476 with methionine.
Molecular consequence: missense variant.
Genome position (GRCh38, 1-based): chrX:132,078,590, G>A on the plus strand (C>T on the coding strand, the complement: FRMD7 is on the minus strand). VCF-style: chrX-132078590-G-A. GRCh37 (hg19) VCF-style: chrX-131212618-G-A.
Other names: c.1382C>T, p.Thr461Met (NM_001306193.2); short protein forms T461M, T476M.
Identifiers: ClinVar variation 1406535 (VCV001406535.7), dbSNP rs761002093, ClinGen allele CA10518865.
Genomic context (GRCh38, chrX:132,078,590, plus strand): 5'-AAGACCTGGGGAGGCATAATACCAACCTGCTGACCTGTACAAGGAATATAGGGCACATCC[G>A]TGTAAGTTAGCTGCTTTGCTGGACGCACTTTGCTTGTGAGGCCAGAATATATGCTCATGT-3'
Protein context (NP_919253.1, residues 466-486): KVRPAKQLTY[Thr476Met]DVPYIPCTGQ